The following is an entry in ClinVar:

NM_000465.4(BARD1):c.1217G>C (p.Arg406Pro)

Gene: BARD1 (BRCA1 associated RING domain 1; minus strand). Cytogenetic location: 2q35.
Variant type: single nucleotide variant.
Coding change: c.1217G>C on transcript NM_000465.4 (MANE Select); coding-DNA position 1217, G replaced by C.
Protein change: p.Arg406Pro; replaces arginine 406 with proline.
Molecular consequence: missense variant. On other transcripts: non-coding transcript variant (2), intron variant (3).
Genome position (GRCh38, 1-based): chr2:214,780,657, C>G on the plus strand (G>C on the coding strand, the complement: BARD1 is on the minus strand). VCF-style: chr2-214780657-C-G. GRCh37 (hg19) VCF-style: chr2-215645381-C-G.
Other names: c.1160G>C, p.Arg387Pro (NM_001282543.2); c.159-28102G>C (NM_001282548.2); c.215+16404G>C (NM_001282545.2); c.364+11640G>C (NM_001282549.2); short protein forms R406P, R387P.
Identifiers: ClinVar variation 5032788 (VCV005032788.1).

ClinVar aggregate classification (germline): Uncertain significance (1 of 4 stars; one submission).

Conditions:
Hereditary cancer-predisposing syndrome. Also called: Neoplastic Syndromes, Hereditary; Tumor predisposition; Hereditary neoplastic syndrome; Hereditary Cancer Syndrome. Identifiers: Orphanet 140162, MedGen C0027672, MeSH D009386, MONDO:0015356.

Submission:

Ambry Genetics
Classification: Uncertain significance for Hereditary cancer-predisposing syndrome. Last evaluated: 2026-07-06. Review status: criteria provided, single submitter. Criteria: Ambry Variant Classification Scheme 2023. Collection method: clinical testing. Allele origin: germline.
Comment: The p.R406P variant (also known as c.1217G>C), located in coding exon 4 of the BARD1 gene, results from a G to C substitution at nucleotide position 1217. The arginine at codon 406 is replaced by proline, an amino acid with dissimilar properties. This amino acid position is conserved. In addition, the in silico prediction for this alteration is inconclusive. Based on the available evidence, the clinical significance of this variant remains unclear.